The following is an entry in ClinVar:

ClinVar aggregate classification (germline): Conflicting classifications of pathogenicity. Review status: criteria provided, conflicting classifications (1 of 4 stars). 2 submissions from 2 submitters: Uncertain significance (1); Likely benign (1). Last evaluated 2025-11-10.

Conditions:
Inborn genetic diseases. Identifiers: MedGen C0950123, MeSH D030342.

Allele frequency attached by ClinVar (database versions not stated): gnomAD 0.00005; gnomAD exomes 0.00007; TOPMed 0.00007; ExAC 0.00011; 1000 Genomes Project 30x 0.00016; 1000 Genomes Project 0.00040.
gnomAD v4.1: 107 of 1,613,650 alleles (0.0066%); highest among the groups gnomAD compares: East Asian, 0.067%; no homozygotes.

Submissions (2):

Labcorp Genetics (formerly Invitae), Labcorp
Classification: Uncertain significance. Last evaluated: 2025-11-10. Review status: criteria provided, single submitter. Criteria: Invitae Variant Classification Sherloc (09022015). Collection method: clinical testing. Allele origin: germline.
Comment: This sequence change replaces asparagine, which is neutral and polar, with serine, which is neutral and polar, at codon 751 of the SIN3A protein (p.Asn751Ser). This variant is present in population databases (rs532044975, gnomAD 0.03%). This variant has not been reported in the literature in individuals affected with SIN3A-related conditions. ClinVar contains an entry for this variant (Variation ID: 2075705). Invitae Evidence Modeling of protein sequence and biophysical properties (such as structural, functional, and spatial information, amino acid conservation, physicochemical variation, residue mobility, and thermodynamic stability) indicates that this missense variant is not expected to disrupt SIN3A protein function with a negative predictive value of 80%. In summary, the available evidence is currently insufficient to determine the role of this variant in disease. Therefore, it has been classified as a Variant of Uncertain Significance.

Ambry Genetics
Classification: Likely benign for Inborn genetic diseases. Last evaluated: 2021-06-11. Review status: criteria provided, single submitter. Criteria: Ambry Variant Classification Scheme 2023. Collection method: clinical testing. Allele origin: germline.

NM_001145358.2(SIN3A):c.2252A>G (p.Asn751Ser)

Gene: SIN3A (SIN3 transcription regulator family member A; minus strand). Cytogenetic location: 15q24.2.
Variant type: single nucleotide variant.
Coding change: c.2252A>G on transcript NM_001145358.2 (MANE Select); coding-DNA position 2252, A replaced by G.
Protein change: p.Asn751Ser; replaces asparagine 751 with serine.
Molecular consequence: missense variant.
Genome position (GRCh38, 1-based): chr15:75,394,705, T>C on the plus strand (A>G on the coding strand, the complement: SIN3A is on the minus strand). VCF-style: chr15-75394705-T-C. GRCh37 (hg19) VCF-style: chr15-75687046-T-C.
Other names: c.2252A>G (NM_001145358.1); c.2252A>G, p.Asn751Ser (NM_001145357.2, NM_015477.3); short protein forms N751S.
Identifiers: ClinVar variation 2075705 (VCV002075705.5), dbSNP rs532044975, ClinGen allele CA7667494.
Genomic context (GRCh38, chr15:75,394,705, plus strand): 5'-GAGTCCTCTCACAGATGCAGAAACCCCCCGCTCACCTCATCATAGATACTCTCAATCTCA[T>C]TGAGTAAGCTCTTAGACCTCAGGACCTTGGTGTCATTCTGTTTAAAGTTGATCCCCTGGT-3'
Protein context (NP_001138830.1, residues 741-761): TKVLRSKSLL[Asn751Ser]EIESIYDERQ